The following is an entry in ClinVar:

NC_000019.9:g.(?_3110127)_(3121177_?)del

Gene: GNA11 (G protein subunit alpha 11; plus strand). Cytogenetic location: 19p13.3.
Variant type: Deletion.
Identifiers: ClinVar variation 3242670 (VCV003242670.1).

ClinVar aggregate classification (germline): Uncertain significance (1 of 4 stars; one submission).

Submission:

Labcorp Genetics (formerly Invitae), Labcorp
Classification: Uncertain significance. Last evaluated: 2023-11-24. Review status: criteria provided, single submitter. Criteria: Invitae Variant Classification Sherloc (09022015). Collection method: clinical testing. Allele origin: unknown.
Comment: This variant is a gross deletion of the genomic region encompassing exon(s) 2-7 of the GNA11 gene, which includes the termination codon. This deletion extends beyond the assayed region for this gene and therefore may encompass additional genes. While this deletion is not anticipated to lead to nonsense mediated decay, it is expected to alter mRNA translation or result in a truncated protein product. This variant has not been reported in the literature in individuals affected with GNA11-related conditions. In summary, the available evidence is currently insufficient to determine the role of this variant in disease. Therefore, it has been classified as a Variant of Uncertain Significance.